The following is an entry in ClinVar:

ClinVar aggregate classification (germline): Pathogenic (1 of 4 stars; one submission).

Conditions:
Interstitial lung disease due to ABCA3 deficiency. Also called: PULMONARY ALVEOLAR PROTEINOSIS, CONGENITAL, 3. Identifiers: Orphanet 440402, MedGen C1970456, MONDO:0012582, OMIM 610921.

Submission:

Myriad Genetics, Inc.
Classification: Pathogenic for Interstitial lung disease due to ABCA3 deficiency. Last evaluated: 2024-10-31. Review status: criteria provided, single submitter. Criteria: Myriad Autosomal Dominant, Autosomal Recessive and X-Linked Classification Criteria (2023). Collection method: clinical testing. Allele origin: unknown.
Comment: NM_001089.2(ABCA3):c.3893G>A(W1298*) is expected to be pathogenic in the context of surfactant deficiency, ABCA3-related. This variant is predicted to lead to an abnormal or absent protein product due to the creation of a premature termination codon in ABCA3, a gene where loss-of-function variants are known to be pathogenic. Please note: this variant was assessed in the context of healthy population screening.

NM_001089.3(ABCA3):c.3893G>A (p.Trp1298Ter)

Gene: ABCA3 (ATP binding cassette subfamily A member 3; minus strand). Cytogenetic location: 16p13.3.
Variant type: single nucleotide variant.
Coding change: c.3893G>A on transcript NM_001089.3 (MANE Select); coding-DNA position 3893, G replaced by A.
Protein change: p.Trp1298Ter; replaces tryptophan 1298 with a stop codon.
Molecular consequence: nonsense.
Genome position (GRCh38, 1-based): chr16:2,283,328, C>T on the plus strand (G>A on the coding strand, the complement: ABCA3 is on the minus strand). VCF-style: chr16-2283328-C-T. GRCh37 (hg19) VCF-style: chr16-2333329-C-T.
Other names: short protein forms W1298*.
Identifiers: ClinVar variation 5013691 (VCV005013691.1).